The following is an entry in ClinVar:

ClinVar aggregate classification (germline): Conflicting classifications of pathogenicity. Review status: criteria provided, conflicting classifications (1 of 4 stars). 3 submissions from 3 submitters: Likely pathogenic (2); Uncertain significance (1). Last evaluated 2025-12-02.

Conditions:
Telangiectasia, hereditary hemorrhagic, type 2 (HHT2). Also called: ACVRL1-Related Hereditary Hemorrhagic Telangiectasia; Telangiectasia, hereditary hemorrhagic, type II. Identifiers: Orphanet 774, MedGen C1838163, MONDO:0010880, OMIM 600376. Disease mechanism: loss of function.
Cardiovascular phenotype. Identifiers: MedGen CN230736.

Allele frequency attached by ClinVar (database versions not stated): gnomAD exomes below 0.00001.
gnomAD v4.1: 2 of 1,614,212 alleles (0.00012%); highest among the groups gnomAD compares: Non-Finnish European, 0.00017%; no homozygotes.

Submissions (3):

Labcorp Genetics (formerly Invitae), Labcorp
Classification: Uncertain significance for Telangiectasia, hereditary hemorrhagic, type 2. Last evaluated: 2025-12-02. Review status: criteria provided, single submitter. Criteria: Invitae Variant Classification Sherloc (09022015). Collection method: clinical testing. Allele origin: germline.
Comment: This sequence change replaces glycine, which is neutral and non-polar, with valine, which is neutral and non-polar, at codon 214 of the ACVRL1 protein (p.Gly214Val). This variant is not present in population databases (gnomAD no frequency). This missense change has been observed in individual(s) with clinical features of ACVRL1-related conditions (PMID: 31727138). ClinVar contains an entry for this variant (Variation ID: 1753430). Invitae Evidence Modeling of protein sequence and biophysical properties (such as structural, functional, and spatial information, amino acid conservation, physicochemical variation, residue mobility, and thermodynamic stability) indicates that this missense variant is expected to disrupt ACVRL1 protein function with a positive predictive value of 95%. In summary, the available evidence is currently insufficient to determine the role of this variant in disease. Therefore, it has been classified as a Variant of Uncertain Significance.

Ambry Genetics
Classification: Likely pathogenic for Cardiovascular phenotype. Last evaluated: 2025-06-09. Review status: criteria provided, single submitter. Criteria: Ambry Variant Classification Scheme 2023. Collection method: clinical testing. Allele origin: germline.
Comment: The p.G214V variant (also known as c.641G>T), located in coding exon 5 of the ACVRL1 gene, results from a G to T substitution at nucleotide position 641. The glycine at codon 214 is replaced by valine, an amino acid with dissimilar properties. This variant has also been detected in an individual from a pulmonary arterial hypertension cohort (Zhu N et al. Genome Med. 2019 11;11(1):69)). Based on internal structural analysis, this variant disrupts the structure around the ATP-binding pocket in ACVRL1. In particular, it introduces a relatively bulky side chain into a highly conserved Gly-rich loop (Taylor SS et al. Trends Biochem. Sci., 2011 Feb;36:65-77), disrupting the local structure to a higher degree, and likely in a similar manner, as a known pathogenic variant in the same binding pocket. This variant is considered to be rare based on population cohorts in the Genome Aggregation Database (gnomAD). This amino acid position is highly conserved in available vertebrate species. In addition, this alteration is predicted to be deleterious by in silico analysis. Based on the majority of available evidence to date, this variant is likely to be pathogenic.

Fulgent Genetics
Classification: Likely pathogenic for Telangiectasia, hereditary hemorrhagic, type 2. Last evaluated: 2024-03-23. Review status: criteria provided, single submitter. Criteria: ACMG Guidelines, 2015. Collection method: clinical testing. Allele origin: germline.

Literature cited by the submitters: PubMed 31727138 (cited by Labcorp Genetics (formerly Invitae), Labcorp and Ambry Genetics); PubMed 20971646 (cited by Ambry Genetics).

NM_000020.3(ACVRL1):c.641G>T (p.Gly214Val)

Gene: ACVRL1 (activin A receptor like type 1; plus strand). Cytogenetic location: 12q13.13.
Variant type: single nucleotide variant.
Coding change: c.641G>T on transcript NM_000020.3 (MANE Select); coding-DNA position 641, G replaced by T.
Protein change: p.Gly214Val; replaces glycine 214 with valine.
Molecular consequence: missense variant.
Genome position (GRCh38, 1-based): chr12:51,914,454, G>T. VCF-style: chr12-51914454-G-T. GRCh37 (hg19) VCF-style: chr12-52308238-G-T.
Other names: c.329G>T, p.Gly110Val (NM_001406494.1, NM_001406490.1, NM_001406491.1 and 2 more transcripts); c.77G>T, p.Gly26Val (NM_001406495.1); c.641G>T, p.Gly214Val (NM_001077401.2, NM_001406487.1, NM_001406488.1 and 1 more transcripts); short protein forms G26V, G110V, G214V.
Identifiers: ClinVar variation 1753430 (VCV001753430.5), dbSNP rs2540162521, ClinGen allele CA384899979.